The following is an entry in ClinVar:

ClinVar aggregate classification (germline): Pathogenic (1 of 4 stars; one submission).

Conditions:
Primary ciliary dyskinesia. Also called: Ciliary dyskinesia. Identifiers: Orphanet 244, MedGen C0008780, MONDO:0016575, HP:0012265.

Submission:

Labcorp Genetics (formerly Invitae), Labcorp
Classification: Pathogenic for Primary ciliary dyskinesia. Last evaluated: 2023-06-29. Review status: criteria provided, single submitter. Criteria: Invitae Variant Classification Sherloc (09022015). Collection method: clinical testing. Allele origin: germline.
Comment: For these reasons, this variant has been classified as Pathogenic. This premature translational stop signal has been observed in individual(s) with clinical features of primary ciliary dyskinesia (PMID: 31772028). This variant is not present in population databases (gnomAD no frequency). This sequence change creates a premature translational stop signal (p.Val647Cysfs*6) in the CCDC39 gene. It is expected to result in an absent or disrupted protein product. Loss-of-function variants in CCDC39 are known to be pathogenic (PMID: 21131972, 23255504).

Literature cited by the submitters: PubMed 31772028; PubMed 21131972; PubMed 23255504.

NM_181426.2(CCDC39):c.1939_1940del (p.Val647fs)

Gene: CCDC39 (coiled-coil domain 39 molecular ruler complex subunit; minus strand). Cytogenetic location: 3q26.33.
Variant type: Deletion.
Coding change: c.1939_1940del on transcript NM_181426.2 (MANE Select); coding-DNA positions 1939 to 1940, 2 bases deleted (GT; older notation c.1939_1940delGT).
Protein change: p.Val647fs; shifts the reading frame from valine 647.
Molecular consequence: frameshift variant.
Genome position (GRCh38, 1-based): chr3:180,631,527-180,631,528, AC deleted on the plus strand (GT on the coding strand, the reverse complement: CCDC39 is on the minus strand); deleting any 2 consecutive bases within chr3:180,631,527-180,631,529 gives the same sequence; the c. name uses the placement nearest the transcript's 3' end. VCF-style (leftmost placement, unchanged base first): chr3-180631526-AAC-A. GRCh37 (hg19) VCF-style: chr3-180349314-AAC-A.
Other names: short protein forms V647fs.
Identifiers: ClinVar variation 2982236 (VCV002982236.3), dbSNP rs2473793694, ClinGen allele CA2586973294.